The following is an entry in ClinVar:

ClinVar aggregate classification (germline): Uncertain significance (1 of 4 stars; one submission).

Submission:

Labcorp Genetics (formerly Invitae), Labcorp
Classification: Uncertain significance. Last evaluated: 2022-06-23. Review status: criteria provided, single submitter. Criteria: Invitae Variant Classification Sherloc (09022015). Collection method: clinical testing. Allele origin: germline.
Comment: This variant has not been reported in the literature in individuals affected with SAG-related conditions. Algorithms developed to predict the effect of missense changes on protein structure and function are either unavailable or do not agree on the potential impact of this missense change (SIFT: "Tolerated"; PolyPhen-2: "Probably Damaging"; Align-GVGD: "Class C0"). In summary, the available evidence is currently insufficient to determine the role of this variant in disease. Therefore, it has been classified as a Variant of Uncertain Significance. This sequence change replaces aspartic acid, which is acidic and polar, with asparagine, which is neutral and polar, at codon 257 of the SAG protein (p.Asp257Asn). This variant is not present in population databases (gnomAD no frequency).

NM_000541.5(SAG):c.769G>A (p.Asp257Asn)

Gene: SAG (S-antigen visual arrestin; plus strand). Cytogenetic location: 2q37.1.
Variant type: single nucleotide variant.
Coding change: c.769G>A on transcript NM_000541.5 (MANE Select); coding-DNA position 769, G replaced by A.
Protein change: p.Asp257Asn; replaces aspartic acid 257 with asparagine.
Molecular consequence: missense variant.
Genome position (GRCh38, 1-based): chr2:233,331,675, G>A. VCF-style: chr2-233331675-G-A. GRCh37 (hg19) VCF-style: chr2-234240321-G-A.
Other names: short protein forms D257N.
Identifiers: ClinVar variation 2009845 (VCV002009845.4), dbSNP rs2469801472, ClinGen allele CA351048209.